The following is an entry in ClinVar:

ClinVar aggregate classification (germline): Pathogenic. Review status: criteria provided, multiple submitters, no conflicts (2 of 4 stars). 3 submissions from 3 submitters: Pathogenic (2). 1 of the submissions does not count toward it. Last evaluated 2023-08-20.

Conditions:
PDE6B-related disorder. Also called: PDE6B-related disorders; PDE6B-related disease; PDE6B-related condition.
Retinitis pigmentosa 40 (RP40). Identifiers: Orphanet 791, MedGen C3151107, MONDO:0013429, OMIM 613801.

Allele frequency attached by ClinVar (database versions not stated): gnomAD exomes below 0.00001.

Submissions (3):

Labcorp Genetics (formerly Invitae), Labcorp
Classification: Pathogenic. Last evaluated: 2023-08-20. Review status: criteria provided, single submitter. Criteria: Invitae Variant Classification Sherloc (09022015). Collection method: clinical testing. Allele origin: germline.
Comment: This sequence change creates a premature translational stop signal (p.Leu83Cysfs*91) in the PDE6B gene. It is expected to result in an absent or disrupted protein product. Loss-of-function variants in PDE6B are known to be pathogenic (PMID: 8394174, 8595886, 22334370). This variant is not present in population databases (gnomAD no frequency). This premature translational stop signal has been observed in individual(s) with retinitis pigmentosa (PMID: 7599633). ClinVar contains an entry for this variant (Variation ID: 13108). For these reasons, this variant has been classified as Pathogenic.

Blueprint Genetics
Classification: Pathogenic for PDE6B-related disorders. Last evaluated: 2019-09-07. Review status: criteria provided, single submitter. Criteria: ACMG Guidelines, 2015. Collection method: clinical testing. Allele origin: germline. Affected: yes. Observed: 2 variant alleles.

OMIM
Classification: Pathogenic for RETINITIS PIGMENTOSA 40. Last evaluated: 1995-01-01. Review status: no assertion criteria provided. Collection method: literature only. Allele origin: germline. Not counted in ClinVar's aggregate classification.

Literature cited by the submitters: PubMed 8394174 (cited by Labcorp Genetics (formerly Invitae), Labcorp); PubMed 8595886 (cited by Labcorp Genetics (formerly Invitae), Labcorp); PubMed 22334370 (cited by Labcorp Genetics (formerly Invitae), Labcorp); PubMed 7599633 (cited by Labcorp Genetics (formerly Invitae), Labcorp and OMIM).

NM_000283.4(PDE6B):c.169_239dup (p.Leu83fs)

Gene: PDE6B (phosphodiesterase 6B; plus strand). Cytogenetic location: 4p16.3.
Variant type: Duplication.
Coding change: c.169_239dup on transcript NM_000283.4 (MANE Select); coding-DNA positions 169 to 239, 71 bases duplicated.
Protein change: p.Leu83fs; shifts the reading frame from leucine 83.
Molecular consequence: frameshift variant.
Genome position (GRCh38, 1-based): chr4:625,795-625,865, 71 bases duplicated. GRCh37 (hg19): chr4:619,584-619,654.
Other names: c.169_239dup, p.Leu83fs (NM_001145291.2); short protein forms L83fs.
Identifiers: ClinVar variation 13108 (VCV000013108.5), dbSNP rs1553801591, ClinGen allele CA256722.